The following is an entry in ClinVar:

ClinVar aggregate classification (germline): Pathogenic (1 of 4 stars; one submission).

Conditions:
Hereditary cancer-predisposing syndrome. Also called: Neoplastic Syndromes, Hereditary; Tumor predisposition; Hereditary neoplastic syndrome; Hereditary Cancer Syndrome. Identifiers: Orphanet 140162, MedGen C0027672, MeSH D009386, MONDO:0015356.
Cardiovascular phenotype. Identifiers: MedGen CN230736.

Submission:

Ambry Genetics
Classification: Pathogenic for Cardiovascular phenotype; Hereditary cancer-predisposing syndrome. Last evaluated: 2023-02-24. Review status: criteria provided, single submitter. Criteria: Ambry Variant Classification Scheme 2023. Collection method: clinical testing. Allele origin: germline.
Comment: The c.950_951insTT pathogenic mutation, located in coding exon 9 of the NF1 gene, results from an insertion of two nucleotides at position 950, causing a translational frameshift with a predicted alternate stop codon (p.E318*). This variant is considered to be rare based on population cohorts in the Genome Aggregation Database (gnomAD). This alteration is expected to result in loss of function by premature protein truncation or nonsense-mediated mRNA decay. As such, this alteration is interpreted as a disease-causing mutation.

NM_001042492.3(NF1):c.950_951insTT (p.Thr317_Glu318insTer)

Gene: NF1 (neurofibromin 1; plus strand). Cytogenetic location: 17q11.2.
Variant type: Insertion.
Coding change: c.950_951insTT on transcript NM_001042492.3 (MANE Select); coding-DNA positions 950 to 951, TT inserted.
Protein change: p.Thr317_Glu318insTer.
Molecular consequence: frameshift variant. On other transcripts: nonsense (1).
Genome position: GRCh38 VCF-style: chr17-31200483-C-CTT. GRCh37 (hg19) VCF-style: chr17-29527501-C-CTT.
Other names: c.950_951insTT, p.Glu318Terfs (NM_000267.4); c.950_951insTT, p.Thr317_Glu318insTer (NM_001128147.3).
Identifiers: ClinVar variation 3237996 (VCV003237996.1), dbSNP rs2544793719.
Genomic context (GRCh38, chr17:31,200,483, plus strand): 5'-AGTTATTTCTGGACAGTCTACGAAAAGCTCTTGCTGGCCATGGAGGAAGTAGGCAGCTGA[C>CTT]AGAAAGTGCTGCAATTGCCTGTGTCAAACTGTGTAAAGCAAGTACTTACATCAATTGGGA-3'